The following is an entry in ClinVar:

NM_001101421.4(MYO1H):c.16G>T (p.Glu6Ter)

Gene: MYO1H (myosin IH; plus strand). Cytogenetic location: 12q24.11.
Variant type: single nucleotide variant.
Coding change: c.16G>T on transcript NM_001101421.4 (MANE Select); coding-DNA position 16, G replaced by T.
Protein change: p.Glu6Ter; replaces glutamic acid 6 with a stop codon.
Molecular consequence: nonsense.
Genome position (GRCh38, 1-based): chr12:109,388,686, G>T. VCF-style: chr12-109388686-G-T. GRCh37 (hg19) VCF-style: chr12-109826491-G-T.
Other names: short protein forms E6*.
Identifiers: ClinVar variation 4850238 (VCV004850238.1).

ClinVar aggregate classification (germline): Likely pathogenic (1 of 4 stars; one submission).

Conditions:
Central hypoventilation syndrome, congenital, 2, and autonomic dysfunction. Identifiers: MedGen C5561963, MONDO:0030537, OMIM 619482.

Submission:

First Genomix Gene Laboratory, Genetic Diagnostics Department
Classification: Likely pathogenic for Central hypoventilation syndrome, congenital, 2, and autonomic dysfunction. Last evaluated: 2025-08-28. Review status: criteria provided, single submitter. Criteria: ACMG Guidelines, 2015. Collection method: clinical testing. Allele origin: germline. Inheritance: Autosomal recessive inheritance. Affected: no. Observed: 1 variant allele.